The following is an entry in ClinVar:

NM_001164508.2(NEB):c.25192A>G (p.Ser8398Gly)

Genes: NEB (nebulin; minus strand), RIF1 (replication timing regulatory factor 1; plus strand). Cytogenetic location: 2q23.3.
Variant type: single nucleotide variant.
Coding change: c.25192A>G on transcript NM_001164508.2 (MANE Select); coding-DNA position 25192, A replaced by G.
Protein change: p.Ser8398Gly; replaces serine 8398 with glycine.
Molecular consequence: missense variant.
Genome position (GRCh38, 1-based): chr2:151,490,477, T>C on the plus strand (A>G on the coding strand, the complement: NEB is on the minus strand). VCF-style: chr2-151490477-T-C. GRCh37 (hg19) VCF-style: chr2-152346991-T-C.
Other names: c.25192A>G, p.Ser8398Gly (NM_001164507.2); c.25297A>G, p.Ser8433Gly (NM_001271208.2); c.19624A>G, p.Ser6542Gly (NM_004543.5); short protein forms S6542G, S8398G, S8433G.
Identifiers: ClinVar variation 1055160 (VCV001055160.9), dbSNP rs1308512715, ClinGen allele CA348771116.

ClinVar aggregate classification (germline): Uncertain significance (1 of 4 stars; one submission).

Conditions:
Nemaline myopathy 2 (NEM2). Also called: Nemaline myopathy 2, autosomal recessive. Identifiers: MedGen C1850569, MONDO:0009725, OMIM 256030.

Allele frequency attached by ClinVar (database versions not stated): gnomAD exomes below 0.00001 and 0.00001.
gnomAD v4.1: 9 of 1,609,004 alleles (0.00056%); highest among the groups gnomAD compares: South Asian, 0.0067%; no homozygotes.

Submission:

Labcorp Genetics (formerly Invitae), Labcorp
Classification: Uncertain significance for Nemaline myopathy 2. Last evaluated: 2020-07-21. Review status: criteria provided, single submitter. Criteria: Invitae Variant Classification Sherloc (09022015). Collection method: clinical testing. Allele origin: germline.
Comment: This sequence change replaces serine with glycine at codon 8433 of the NEB protein (p.Ser8433Gly). The serine residue is moderately conserved and there is a small physicochemical difference between serine and glycine. This variant is not present in population databases (ExAC no frequency). This variant has not been reported in the literature in individuals with NEB-related conditions. Algorithms developed to predict the effect of missense changes on protein structure and function are either unavailable or do not agree on the potential impact of this missense change (SIFT: "Deleterious"; PolyPhen-2: "Not Available"; Align-GVGD: "Class C0"). In summary, the available evidence is currently insufficient to determine the role of this variant in disease. Therefore, it has been classified as a Variant of Uncertain Significance.